The following is an entry in ClinVar:

ClinVar aggregate classification (germline): Uncertain significance. Review status: criteria provided, multiple submitters, no conflicts (2 of 4 stars). 2 submissions from 2 submitters: Uncertain significance (2). Last evaluated 2026-06-22.

Conditions:
VCAN-related disorder. Also called: VCAN-related condition.

Allele frequency attached by ClinVar (database versions not stated): ExAC 0.00001; gnomAD exomes 0.00001; TOPMed 0.00002; gnomAD 0.00003.
gnomAD v4.1: 14 of 1,614,036 alleles (0.00087%); highest among the groups gnomAD compares: African/African-American, 0.0013%; no homozygotes.

Submissions (2):

PreventionGenetics, part of Exact Sciences
Classification: Uncertain significance for VCAN-related condition. Last evaluated: 2026-06-22. Review status: criteria provided, single submitter. Criteria: ACMG Guidelines, 2015. Collection method: clinical testing. Allele origin: germline.
Comment: The VCAN c.1165C>T variant is predicted to result in the amino acid substitution p.Pro389Ser. To our knowledge, this variant has not been reported in the literature. This variant is reported in 0.0033% of alleles in individuals of South Asian descent in gnomAD. At this time, the clinical significance of this variant is uncertain due to the absence of conclusive functional and genetic evidence.

Labcorp Genetics (formerly Invitae), Labcorp
Classification: Uncertain significance. Last evaluated: 2025-04-17. Review status: criteria provided, single submitter. Criteria: Invitae Variant Classification Sherloc (09022015). Collection method: clinical testing. Allele origin: germline.
Comment: This sequence change replaces proline, which is neutral and non-polar, with serine, which is neutral and polar, at codon 389 of the VCAN protein (p.Pro389Ser). This variant is present in population databases (rs745674556, gnomAD 0.003%). This variant has not been reported in the literature in individuals affected with VCAN-related conditions. ClinVar contains an entry for this variant (Variation ID: 1522015). An algorithm developed to predict the effect of missense changes on protein structure and function outputs the following: PolyPhen-2: "Benign". The serine amino acid residue is found in multiple mammalian species, which suggests that this missense change does not adversely affect protein function. In summary, the available evidence is currently insufficient to determine the role of this variant in disease. Therefore, it has been classified as a Variant of Uncertain Significance.

NM_004385.5(VCAN):c.1165C>T (p.Pro389Ser)

Gene: VCAN (versican; plus strand). Cytogenetic location: 5q14.3.
Variant type: single nucleotide variant.
Coding change: c.1165C>T on transcript NM_004385.5 (MANE Select); coding-DNA position 1165, C replaced by T.
Protein change: p.Pro389Ser; replaces proline 389 with serine.
Molecular consequence: missense variant. On other transcripts: intron variant (2).
Genome position (GRCh38, 1-based): chr5:83,519,471, C>T. VCF-style: chr5-83519471-C-T. GRCh37 (hg19) VCF-style: chr5-82815290-C-T.
Other names: c.1165C>T, p.Pro389Ser (NM_001164098.2); c.1042+7075C>T (NM_001164097.2, NM_001126336.3); c.1165C>T (NM_004385.4); short protein forms P389S.
Identifiers: ClinVar variation 1522015 (VCV001522015.9), dbSNP rs745674556, ClinGen allele CA3332621.